The following is an entry in ClinVar:

NM_002181.4(IHH):c.904C>T (p.Gln302Ter)

Gene: IHH (Indian hedgehog signaling molecule; minus strand). Cytogenetic location: 2q35.
Variant type: single nucleotide variant.
Coding change: c.904C>T on transcript NM_002181.4 (MANE Select); coding-DNA position 904, C replaced by T.
Protein change: p.Gln302Ter; replaces glutamine 302 with a stop codon.
Molecular consequence: nonsense.
Genome position (GRCh38, 1-based): chr2:219,055,539, G>A on the plus strand (C>T on the coding strand, the complement: IHH is on the minus strand). VCF-style: chr2-219055539-G-A. GRCh37 (hg19) VCF-style: chr2-219920261-G-A.
Other names: short protein forms Q302*.
Identifiers: ClinVar variation 5006216 (VCV005006216.2).

ClinVar aggregate classification (germline): Uncertain significance (1 of 4 stars; one submission).

Conditions:
Acrocapitofemoral dysplasia (ACFD). Identifiers: Orphanet 63446, MedGen C1843096, MONDO:0011907, OMIM 607778.
Brachydactyly type A1. Also called: FARABEE-TYPE BRACHYDACTYLY; SHORT STATURE WITH NONSPECIFIC SKELETAL ABNORMALITIES 2. Identifiers: Orphanet 93388, MedGen C1862151, MONDO:0007215, OMIM 112500, HP:0009371.

Submission:

Juno Genomics, Hangzhou Juno Genomics, Inc
Classification: Uncertain significance for Acrocapitofemoral dysplasia; Brachydactyly type A1. Review status: criteria provided, single submitter. Criteria: ACMG Guidelines, 2015. Collection method: clinical testing. Allele origin: germline.
Comment: Null variant in a gene where loss of function (LOF) is a known mechanism of disease.;Absent from controls (or at extremely low frequency if recessive) in Genome Aggregation Database.